The following is an entry in ClinVar:

ClinVar aggregate classification (germline): Pathogenic/Likely pathogenic. Review status: no assertion criteria provided (0 of 4 stars). 2 submissions from 2 submitters: Pathogenic (1); Likely pathogenic (1). Last evaluated 2008-03-01.

Conditions:
Cardiomyopathy, familial restrictive, 3. Identifiers: Orphanet 75249, MedGen C2676271, MONDO:0012900, OMIM 612422.
Hypertrophic cardiomyopathy. Also called: HYPERTROPHIC MYOCARDIOPATHY. Identifiers: Orphanet 217569, MedGen C0007194, MeSH D002312, MONDO:0005045, HP:0001639.

Submissions (2):

Laboratory for Molecular Medicine, Mass General Brigham Personalized Medicine
Classification: Likely pathogenic for Hypertrophic cardiomyopathy. Last evaluated: 2008-03-01. Review status: no assertion criteria provided. Collection method: clinical testing. Allele origin: germline. Observed: 1 variant allele.
Comment: proposed classification - variant undergoing re-assessment, contact laboratory

OMIM
Classification: Pathogenic for CARDIOMYOPATHY, FAMILIAL, RESTRICTIVE, 3. Last evaluated: 2008-01-25. Review status: no assertion criteria provided. Collection method: literature only. Allele origin: germline.

Literature cited by the submitters: PubMed 16651346 (cited by OMIM); PubMed 18032382 (cited by OMIM).

NM_001276345.2(TNNT2):c.316_318del (p.Glu106del)

Gene: TNNT2 (troponin T2, cardiac type; minus strand). Cytogenetic location: 1q32.1.
Variant type: Deletion.
Coding change: c.316_318del on transcript NM_001276345.2 (MANE Select); coding-DNA positions 316 to 318, 3 bases deleted (GAG; older notation c.316_318delGAG).
Protein change: p.Glu106del; deletes glutamic acid 106.
Molecular consequence: inframe deletion. On other transcripts: intron variant (1).
Genome position (GRCh38, 1-based): chr1:201,365,284-201,365,286, CTC deleted on the plus strand (GAG on the coding strand, the reverse complement: TNNT2 is on the minus strand); deleting any 3 consecutive bases within chr1:201,365,284-201,365,287 gives the same sequence; the c. name uses the placement nearest the transcript's 3' end. VCF-style (leftmost placement, unchanged base first): chr1-201365283-TCTC-T. GRCh37 (hg19) VCF-style: chr1-201334411-TCTC-T.
Other names: c.271_273del, p.Glu91del (NM_001001432.3, NM_001406728.1); c.286_288del, p.Glu96del (NM_001406726.1, NM_001406727.1, NM_001001430.3 and 3 more transcripts); c.291+324_291+326del (NM_001276346.2); c.316_318del, p.Glu106del (NM_000364.4, NM_001406723.1); c.283_285del, p.Glu95del (NM_001406725.1); short protein forms E106del, E96del, E91del, E95del.
Identifiers: ClinVar variation 177683 (VCV000177683.6), dbSNP rs727504277, ClinGen allele CA004314.